The following is an entry in ClinVar:

NM_001080512.3(BICC1):c.775A>G (p.Asn259Asp)

Gene: BICC1 (BicC family RNA binding protein 1; plus strand). Cytogenetic location: 10q21.1.
Variant type: single nucleotide variant.
Coding change: c.775A>G on transcript NM_001080512.3 (MANE Select); coding-DNA position 775, A replaced by G.
Protein change: p.Asn259Asp; replaces asparagine 259 with aspartic acid.
Molecular consequence: missense variant.
Genome position (GRCh38, 1-based): chr10:58,789,436, A>G. VCF-style: chr10-58789436-A-G. GRCh37 (hg19) VCF-style: chr10-60549196-A-G.
Other names: c.775A>G (NM_001080512.1); short protein forms N259D.
Identifiers: ClinVar variation 3016378 (VCV003016378.5), dbSNP rs766193556, ClinGen allele CA5508318.

ClinVar aggregate classification (germline): Uncertain significance. Review status: criteria provided, multiple submitters, no conflicts (2 of 4 stars). 3 submissions from 3 submitters: Uncertain significance (3). Last evaluated 2025-06-12.

Conditions:
Renal dysplasia, cystic, susceptibility to. Identifiers: MedGen C3275898, MONDO:0011037, OMIM 601331.

Allele frequency attached by ClinVar (database versions not stated): ExAC 0.00002; TOPMed 0.00009; gnomAD 0.00013; gnomAD exomes 0.00001.
gnomAD v4.1: 32 of 1,613,724 alleles (0.002%); highest among the groups gnomAD compares: African/African-American, 0.04%; no homozygotes.

Submissions (3):

Labcorp Genetics (formerly Invitae), Labcorp
Classification: Uncertain significance. Last evaluated: 2025-06-12. Review status: criteria provided, single submitter. Criteria: Invitae Variant Classification Sherloc (09022015). Collection method: clinical testing. Allele origin: germline.
Comment: This sequence change replaces asparagine, which is neutral and polar, with aspartic acid, which is acidic and polar, at codon 259 of the BICC1 protein (p.Asn259Asp). This variant is present in population databases (rs766193556, gnomAD 0.03%). This variant has not been reported in the literature in individuals affected with BICC1-related conditions. ClinVar contains an entry for this variant (Variation ID: 3016378). An algorithm developed to predict the effect of missense changes on protein structure and function (PolyPhen-2) suggests that this variant is likely to be tolerated. In summary, the available evidence is currently insufficient to determine the role of this variant in disease. Therefore, it has been classified as a Variant of Uncertain Significance.

Fulgent Genetics
Classification: Uncertain significance for Renal dysplasia, cystic, susceptibility to. Last evaluated: 2024-02-05. Review status: criteria provided, single submitter. Criteria: ACMG Guidelines, 2015. Collection method: clinical testing. Allele origin: germline.

Ambry Genetics
Classification: Uncertain significance. Last evaluated: 2024-01-17. Review status: criteria provided, single submitter. Criteria: Ambry Variant Classification Scheme 2023. Collection method: clinical testing. Allele origin: germline.